The following is an entry in ClinVar:

NM_023036.6(DNAI2):c.562C>T (p.Gln188Ter)

Gene: DNAI2 (dynein axonemal intermediate chain 2; plus strand). Cytogenetic location: 17q25.1.
Variant type: single nucleotide variant.
Coding change: c.562C>T on transcript NM_023036.6 (MANE Select); coding-DNA position 562, C replaced by T.
Protein change: p.Gln188Ter; replaces glutamine 188 with a stop codon.
Molecular consequence: nonsense. On other transcripts: non-coding transcript variant (1).
Genome position (GRCh38, 1-based): chr17:74,289,688, C>T. VCF-style: chr17-74289688-C-T. GRCh37 (hg19) VCF-style: chr17-72285827-C-T.
Other names: c.562C>T, p.Gln188Ter (NM_001172810.3, NM_001353167.2); c.562C>T (NM_023036.5); short protein forms Q188*.
Identifiers: ClinVar variation 2801461 (VCV002801461.4), dbSNP rs1194460219, ClinGen allele CA400906220.
Genomic context (GRCh38, chr17:74,289,688, plus strand): 5'-CTCTCCTGGCACCCCGATGGCAACAGGAAGTTGGCAGTGGCATACTCCTGCTTGGATTTT[C>T]AGCGGGCACCTGTGGGCATGAGCAGCGATTCATACATCTGGGACCTGGGTGAGAAGCAGC-3'

ClinVar aggregate classification (germline): Pathogenic/Likely pathogenic. Review status: criteria provided, multiple submitters, no conflicts (2 of 4 stars). 2 submissions from 2 submitters: Pathogenic (1); Likely pathogenic (1). Last evaluated 2025-06-17.

Conditions:
Primary ciliary dyskinesia. Also called: Ciliary dyskinesia. Identifiers: Orphanet 244, MedGen C0008780, MONDO:0016575, HP:0012265.

Submissions (2):

Natera, Inc.
Classification: Likely pathogenic for Primary ciliary dyskinesia. Last evaluated: 2025-06-17. Review status: criteria provided, single submitter. Criteria: Natera Variant Classification Schema (03/2026). Collection method: clinical testing. Allele origin: germline.
Comment: The c.562C>T variant in DNAI2 is a nonsense variant predicted to introduce a stop codon at amino acid 188. This variant is expected to result in nonsense mediated decay, truncation, or a dysfunctional protein product. This variant is rare in the general population with a frequency below the threshold expected for the associated phenotype(s). Given the available evidence, this variant is classified as Likely Pathogenic.

Labcorp Genetics (formerly Invitae), Labcorp
Classification: Pathogenic for Primary ciliary dyskinesia. Last evaluated: 2023-09-24. Review status: criteria provided, single submitter. Criteria: Invitae Variant Classification Sherloc (09022015). Collection method: clinical testing. Allele origin: germline.
Comment: For these reasons, this variant has been classified as Pathogenic. This variant has not been reported in the literature in individuals affected with DNAI2-related conditions. This variant is present in population databases (no rsID available, gnomAD 0.1%). This sequence change creates a premature translational stop signal (p.Gln188*) in the DNAI2 gene. It is expected to result in an absent or disrupted protein product. Loss-of-function variants in DNAI2 are known to be pathogenic (PMID: 18950741, 23891469).

Literature cited by the submitters: PubMed 18950741 (cited by Labcorp Genetics (formerly Invitae), Labcorp); PubMed 23891469 (cited by Labcorp Genetics (formerly Invitae), Labcorp).